The following is an entry in ClinVar:

ClinVar aggregate classification (germline): Benign. Review status: criteria provided, multiple submitters, no conflicts (2 of 4 stars). 2 submissions from 2 submitters: Benign (2). Last evaluated 2018-06-14.

Allele frequency attached by ClinVar (database versions not stated): gnomAD exomes 0.31784; gnomAD 0.41507 and 0.41528; TOPMed 0.42413; 1000 Genomes Project 30x 0.52217; 1000 Genomes Project 0.52855.

Submissions (2):

GeneDx
Classification: Benign. Last evaluated: 2018-06-14. Review status: criteria provided, single submitter. Criteria: GeneDx Variant Classification (06012015). Collection method: clinical testing. Allele origin: germline. Affected: yes.
Comment: This variant is considered likely benign or benign based on one or more of the following criteria: it is a conservative change, it occurs at a poorly conserved position in the protein, it is predicted to be benign by multiple in silico algorithms, and/or has population frequency not consistent with disease.

Breakthrough Genomics
Classification: Benign. Review status: criteria provided, single submitter. Criteria: ACMG Guidelines, 2015. Collection method: not provided. Allele origin: germline. Inheritance: Autosomal recessive inheritance. Affected: yes.

NM_153240.5(NPHP3):c.3812+126C>T

Genes: NPHP3 (nephrocystin 3; minus strand), NPHP3-ACAD11 (NPHP3-ACAD11 readthrough (NMD candidate); minus strand). Cytogenetic location: 3q22.1.
Variant type: single nucleotide variant.
Coding change: c.3812+126C>T on transcript NM_153240.5 (MANE Select); 126 bases into the intron after coding-DNA position 3812, C replaced by T.
Molecular consequence: intron variant.
Genome position (GRCh38, 1-based): chr3:132,682,577, G>A on the plus strand (C>T on the coding strand, the complement: NPHP3 is on the minus strand). VCF-style: chr3-132682577-G-A. GRCh37 (hg19) VCF-style: chr3-132401421-G-A.
Identifiers: ClinVar variation 667705 (VCV000667705.2), dbSNP rs6792074, ClinGen allele CA11618987.